The following is an entry in ClinVar:

ClinVar aggregate classification (germline): Pathogenic/Likely pathogenic. Review status: criteria provided, multiple submitters, no conflicts (2 of 4 stars). 7 submissions from 7 submitters: Pathogenic (2); Likely pathogenic (5). Last evaluated 2026-04-01.

Conditions:
Isovaleryl-CoA dehydrogenase deficiency (IVA). Also called: Isovaleric acidemia; IVD DEFICIENCY; Classic Isovaleric Acidemia; ISOVALERIC ACID CoA DEHYDROGENASE DEFICIENCY. Identifiers: Orphanet 33, MedGen C0268575, MONDO:0009475, OMIM 243500.

Allele frequency attached by ClinVar (database versions not stated): gnomAD exomes below 0.00001; gnomAD 0.00001; TOPMed 0.00002.
gnomAD v4.1: 5 of 1,614,096 alleles (0.00031%); highest among the groups gnomAD compares: African/African-American, 0.0013%; no homozygotes.

Submissions (7):

CeGaT Center for Human Genetics Tuebingen
Classification: Likely pathogenic. Last evaluated: 2026-04-01. Review status: criteria provided, single submitter. Criteria: CeGaT Center For Human Genetics Tuebingen Variant Classification Criteria Version 2. Collection method: clinical testing. Allele origin: germline. Affected: yes. Observed: 1 variant allele.
Comment: IVD: PM2, PM3, PM5, PP4:Moderate

Labcorp Genetics (formerly Invitae), Labcorp
Classification: Pathogenic for Isovaleryl-CoA dehydrogenase deficiency. Last evaluated: 2025-08-10. Review status: criteria provided, single submitter. Criteria: Invitae Variant Classification Sherloc (09022015). Collection method: clinical testing. Allele origin: germline.
Comment: This sequence change replaces arginine, which is basic and polar, with tryptophan, which is neutral and slightly polar, at codon 414 of the IVD protein (p.Arg414Trp). This variant is present in population databases (no rsID available, gnomAD 0.007%). This missense change has been observed in individual(s) with isovaleric acidemia (PMID: 25220015; internal data). In at least one individual the data is consistent with being in trans (on the opposite chromosome) from a pathogenic variant. This variant is also known as c.1231C>T, Arg382Trp. ClinVar contains an entry for this variant (Variation ID: 803069). An algorithm developed to predict the effect of missense changes on protein structure and function (PolyPhen-2) suggests that this variant is likely to be disruptive. This variant disrupts the p.Arg414 amino acid residue in IVD. Other variant(s) that disrupt this residue have been determined to be pathogenic (PMID: 9665741; internal data). This suggests that this residue is clinically significant, and that variants that disrupt this residue are likely to be disease-causing. For these reasons, this variant has been classified as Pathogenic.

Natera, Inc.
Classification: Likely pathogenic for Isovaleryl-coa dehydrogenase deficiency. Last evaluated: 2025-05-08. Review status: criteria provided, single submitter. Criteria: Natera Variant Classification Schema (03/2026). Collection method: clinical testing. Allele origin: germline.
Comment: The c.1240C>T variant in IVD is a missense variant predicted to cause substitution of arginine to tryptophan at amino acid 414. This variant is rare in the general population with a frequency below the threshold expected for the associated phenotype(s). This variant has been observed in one or more individuals affected with the associated recessive disease, as either homozygous or compound heterozygous with a second variant (PMID: 38863445, 36636590, 25220015). Additionally, this variant has been observed to segregate in affected family members (PMID: 25220015). A different variant at the same position has been determined to be Pathogenic or Likely Pathogenic. Computational prediction algorithms indicate this variant is likely to affect gene or protein function. Given the available evidence, this variant is classified as Likely Pathogenic.

Fulgent Genetics
Classification: Likely pathogenic for Isovaleryl-CoA dehydrogenase deficiency. Last evaluated: 2024-05-08. Review status: criteria provided, single submitter. Criteria: ACMG Guidelines, 2015. Collection method: clinical testing. Allele origin: germline.

Women's Health and Genetics/Laboratory Corporation of America, LabCorp
Classification: Likely pathogenic for Isovaleryl-CoA dehydrogenase deficiency. Last evaluated: 2024-05-03. Review status: criteria provided, single submitter. Criteria: LabCorp Variant Classification Summary - May 2015. Collection method: clinical testing. Allele origin: germline.
Comment: Variant summary: IVD c.1231C>T (p.Arg411Trp) results in a non-conservative amino acid change in the encoded protein sequence. Five of five in-silico tools predict a damaging effect of the variant on protein function. The variant was absent in 251482 control chromosomes (gnomAD). c.1231C>T has been reported in the literature in individuals affected with Isovaleryl-CoA Dehydrogenase Deficiency (Ozgul_2014, Murko_2023, Hao_2023). These data indicate that the variant is likely to be associated with disease. To our knowledge, no experimental evidence demonstrating an impact on protein function has been reported. The following publications have been ascertained in the context of this evaluation (PMID: 25220015, 36636590, 38061323). ClinVar contains an entry for this variant (Variation ID: 803069). Based on the evidence outlined above, the variant was classified as likely pathogenic.

Baylor Genetics
Classification: Likely pathogenic for Isovaleryl-CoA dehydrogenase deficiency. Last evaluated: 2024-03-24. Review status: criteria provided, single submitter. Criteria: ACMG Guidelines, 2015. Collection method: clinical testing. Allele origin: unknown.

Mendelics
Classification: Pathogenic for Isovaleryl-CoA dehydrogenase deficiency. Last evaluated: 2019-05-28. Review status: criteria provided, single submitter. Criteria: Mendelics Assertion Criteria 2017. Collection method: clinical testing. Allele origin: unknown.

Literature cited by the submitters: PubMed 25220015 (cited by 3 submitters); PubMed 9665741 (cited by Labcorp Genetics (formerly Invitae), Labcorp); PubMed 38863445 (cited by Natera, Inc.); PubMed 36636590 (cited by Natera, Inc. and Women's Health and Genetics/Laboratory Corporation of America, LabCorp); PubMed 38061323 (cited by Women's Health and Genetics/Laboratory Corporation of America, LabCorp).

NM_002225.5(IVD):c.1231C>T (p.Arg411Trp)

Gene: IVD (isovaleryl-CoA dehydrogenase; plus strand). Cytogenetic location: 15q15.1.
Variant type: single nucleotide variant.
Coding change: c.1231C>T on transcript NM_002225.5 (MANE Select); coding-DNA position 1231, C replaced by T.
Protein change: p.Arg411Trp; replaces arginine 411 with tryptophan.
Molecular consequence: missense variant. On other transcripts: intron variant (3).
Genome position (GRCh38, 1-based): chr15:40,418,222, C>T. VCF-style: chr15-40418222-C-T. GRCh37 (hg19) VCF-style: chr15-40710421-C-T.
Other names: c.1141C>T, p.Arg381Trp (NM_001159508.3); c.1183C>T, p.Arg395Trp (NM_001354597.3); c.1318C>T, p.Arg440Trp (NM_001354599.3); c.1225+1860C>T (NM_001354600.3); c.1138+1860C>T (NM_001354598.3, NM_001354601.3); c.1240C>T (NM_002225.3); short protein forms R411W, R381W, R395W, R440W.
Identifiers: ClinVar variation 803069 (VCV000803069.15), dbSNP rs1237032588, ClinGen allele CA391724647.
Genomic context (GRCh38, chr15:40,418,222, plus strand): 5'-GGCCGCTTTCTTCGAGATGCCAAGCTGTATGAGATAGGGGCTGGGACCAGCGAGGTGAGG[C>T]GGCTGGTCATCGGCAGAGCCTTCAATGCAGACTTTCACTAGTCCTGAGACCCTTCGCCCC-3'
Protein context (NP_002216.3, residues 401-421): EIGAGTSEVR[Arg411Trp]LVIGRAFNAD